The following is an entry in ClinVar:

ClinVar aggregate classification (germline): Uncertain significance (1 of 4 stars; one submission).

Submission:

GeneDx
Classification: Uncertain significance. Last evaluated: 2026-02-13. Review status: criteria provided, single submitter. Criteria: GeneDx Variant Classification Process June 2021. Collection method: clinical testing. Allele origin: germline.
Comment: Not observed at significant frequency in large population cohorts (gnomAD); In silico analysis supports that this missense variant has a deleterious effect on protein structure/function; Has not been previously published as pathogenic or benign to our knowledge

NM_182641.4(BPTF):c.2336C>T (p.Thr779Ile)

Gene: BPTF (bromodomain PHD finger transcription factor; plus strand). Cytogenetic location: 17q24.2.
Variant type: single nucleotide variant.
Coding change: c.2336C>T on transcript NM_182641.4 (MANE Select); coding-DNA position 2336, C replaced by T.
Protein change: p.Thr779Ile; replaces threonine 779 with isoleucine.
Molecular consequence: missense variant.
Genome position (GRCh38, 1-based): chr17:67,893,650, C>T. VCF-style: chr17-67893650-C-T. GRCh37 (hg19) VCF-style: chr17-65889766-C-T.
Other names: c.2525C>T, p.Thr842Ile (NM_001439139.1, NM_001439141.1, NM_001439143.1 and 1 more transcripts); c.2714C>T, p.Thr905Ile (NM_001439140.1, NM_001439142.1, NM_004459.7); short protein forms T842I, T905I, T779I.
Identifiers: ClinVar variation 5009690 (VCV005009690.1).
Genomic context (GRCh38, chr17:67,893,650, plus strand): 5'-CAGCAGGAGAGTTCAAATGGAACGGTTCTGTCCATGGGTCCAAAGTTCTTACCATATCTA[C>T]TCTGAGACTGACTATCACCCAATTAGAAAACAACATCCCTTCATCCTTTCTTCATCCCAA-3'
Protein context (NP_872579.2, residues 769-789): VHGSKVLTIS[Thr779Ile]LRLTITQLEN